The following is an entry in ClinVar:

ClinVar aggregate classification (germline): Pathogenic. Review status: reviewed by expert panel (3 of 4 stars). 5 submissions from 5 submitters: Pathogenic (1). 4 of the submissions do not count toward it. Last evaluated 2019-03-11.

Conditions:
CFTR-related disorder (CFTR-RD). Also called: CFTR-related condition; CFTR-related disorders. Identifiers: MedGen C5924204, MONDO:7770004.
Bronchiectasis with or without elevated sweat chloride 1 (BESC1). Also called: Cystic Fibrosis-Like Syndrome. Identifiers: Orphanet 60033, MedGen C2749757, MONDO:0008887, OMIM 211400.
Cystic fibrosis (CF). Also called: MUCOVISCIDOSIS. Identifiers: Orphanet 586, MedGen C0010674, MONDO:0009061, OMIM 219700. Disease mechanism: loss of function.

Submissions (5):

CFTR2
Classification: Pathogenic for Cystic fibrosis. Last evaluated: 2019-03-11. Review status: reviewed by expert panel. Criteria: Sosnay PR et al. (Nat Genet 2013). Collection method: research. Allele origin: germline. Affected: yes.

Natera, Inc.
Classification: Pathogenic for CFTR-related disorders. Last evaluated: 2025-08-06. Review status: criteria provided, single submitter. Criteria: Natera Variant Classification Schema (03/2026). Collection method: clinical testing. Allele origin: germline. Not counted in ClinVar's aggregate classification.
Comment: The c.178G>A variant in CFTR is a missense variant predicted to cause substitution of glutamic acid to lysine at amino acid 60. This variant is rare in the general population with a frequency below the threshold expected for the associated phenotype(s). Functional studies show that this variant may disrupt protein function (PMID: 38388235, 18306312). Computational prediction algorithms indicate this variant is likely to affect gene or protein function. Given the available evidence, this variant is classified as Pathogenic.

Baylor Genetics
Classification: Pathogenic for Bronchiectasis with or without elevated sweat chloride 1. Last evaluated: 2024-02-08. Review status: criteria provided, single submitter. Criteria: ACMG Guidelines, 2015. Collection method: clinical testing. Allele origin: unknown. Not counted in ClinVar's aggregate classification.

CFTR-France
Classification: Pathogenic for cystic fibrosis. Last evaluated: 2018-01-29. Review status: criteria provided, single submitter. Criteria: Claustres M et al. (Hum Mutat 2017). Collection method: curation. Allele origin: germline. Affected: yes. Not counted in ClinVar's aggregate classification.

ClinVar Staff, National Center for Biotechnology Information (NCBI)
No classification provided. Condition: CFTR-related disorders. Review status: no classification provided. Collection method: literature only. Allele origin: germline. Affected: yes. Not counted in ClinVar's aggregate classification.

Literature cited by the submitters: PubMed 38388235 (cited by Natera, Inc.); PubMed 18306312 (cited by Natera, Inc.); PubMed 17331079 (cited by ClinVar Staff, National Center for Biotechnology Information (NCBI)).

NM_000492.4(CFTR):c.178G>A (p.Glu60Lys)

Genes: CFTR (CF transmembrane conductance regulator; plus strand), LOC113664106 (CFTR intron 2 DNase I hypersensitive site; plus strand). Cytogenetic location: 7q31.2.
Variant type: single nucleotide variant.
Coding change: c.178G>A on transcript NM_000492.4 (MANE Select); coding-DNA position 178, G replaced by A.
Protein change: p.Glu60Lys; replaces glutamic acid 60 with lysine.
Molecular consequence: missense variant.
Genome position (GRCh38, 1-based): chr7:117,509,047, G>A. VCF-style: chr7-117509047-G-A. GRCh37 (hg19) VCF-style: chr7-117149101-G-A.
Other names: short protein forms E60K.
Identifiers: ClinVar variation 53386 (VCV000053386.5), dbSNP rs77284892, ClinGen allele CA326672.